The following is an entry in ClinVar:

NM_001374828.1(ARID1B):c.3959C>G (p.Ser1320Ter)

Gene: ARID1B (AT-rich interaction domain 1B; plus strand). Cytogenetic location: 6q25.3.
Variant type: single nucleotide variant.
Coding change: c.3959C>G on transcript NM_001374828.1 (MANE Select); coding-DNA position 3959, C replaced by G.
Protein change: p.Ser1320Ter; replaces serine 1320 with a stop codon.
Molecular consequence: nonsense.
Genome position (GRCh38, 1-based): chr6:157,189,681, C>G. VCF-style: chr6-157189681-C-G. GRCh37 (hg19) VCF-style: chr6-157510815-C-G.
Other names: c.3710C>G, p.Ser1237Ter (NM_001346813.1); c.1460C>G, p.Ser487Ter (NM_001363725.2); c.3839C>G, p.Ser1280Ter (NM_001371656.1, NM_001374820.1); c.3800C>G, p.Ser1267Ter (NM_017519.3); c.3590C>G, p.Ser1197Ter (NM_020732.3); c.3377C>G, p.Ser1126Ter (NM_175863.2); short protein forms S1126*, S1197*, S1237*, S1267*, S1280*, S1320*, S487*.
Identifiers: ClinVar variation 2662124 (VCV002662124.1), dbSNP rs1202710670, ClinGen allele CA366234077.

ClinVar aggregate classification (germline): Pathogenic (1 of 4 stars; one submission).

Submission:

GeneDx
Classification: Pathogenic. Last evaluated: 2023-04-26. Review status: criteria provided, single submitter. Criteria: GeneDx Variant Classification Process June 2021. Collection method: clinical testing. Allele origin: germline. Affected: yes.
Comment: Nonsense variant predicted to result in protein truncation or nonsense mediated decay in a gene for which loss of function is a known mechanism of disease; Not observed at significant frequency in large population cohorts (gnomAD); Has not been previously published as pathogenic or benign to our knowledge